The following is an entry in ClinVar:

ClinVar aggregate classification (germline): Uncertain significance (1 of 4 stars; one submission).

Conditions:
Primary familial hypertrophic cardiomyopathy (HCM). Identifiers: Orphanet 99739, MedGen C0949658, MeSH D024741, MONDO:0024573. Inheritance: Various modes of inheritance.
Dilated cardiomyopathy 1AA (CMD1AA). Also called: CARDIOMYOPATHY, FAMILIAL HYPERTROPHIC, 23, WITH OR WITHOUT LEFT VENTRICULAR NONCOMPACTION; CARDIOMYOPATHY, DILATED, 1AA, WITH OR WITHOUT LEFT VENTRICULAR NONCOMPACTION; Cardiomyopathy, dilated, 1AA, with or without LVNC. Identifiers: Orphanet 154, MedGen C2677338, MONDO:0012808, OMIM 612158.

gnomAD v4.1: 3 of 1,614,166 alleles (0.00019%); highest among the groups gnomAD compares: Non-Finnish European, 0.00025%; no homozygotes.

Submission:

Labcorp Genetics (formerly Invitae), Labcorp
Classification: Uncertain significance for Primary familial hypertrophic cardiomyopathy; Dilated cardiomyopathy 1AA. Last evaluated: 2025-10-21. Review status: criteria provided, single submitter. Criteria: Invitae Variant Classification Sherloc (09022015). Collection method: clinical testing. Allele origin: germline.
Comment: This sequence change replaces phenylalanine, which is neutral and non-polar, with leucine, which is neutral and non-polar, at codon 884 of the ACTN2 protein (p.Phe884Leu). This variant is not present in population databases (gnomAD no frequency). This variant has not been reported in the literature in individuals affected with ACTN2-related conditions. ClinVar contains an entry for this variant (Variation ID: 1040716). An algorithm developed to predict the effect of missense changes on protein structure and function (PolyPhen-2) suggests that this variant is likely to be disruptive. In summary, the available evidence is currently insufficient to determine the role of this variant in disease. Therefore, it has been classified as a Variant of Uncertain Significance.

NM_001103.4(ACTN2):c.2652C>G (p.Phe884Leu)

Gene: ACTN2 (actinin alpha 2; plus strand). Cytogenetic location: 1q43.
Variant type: single nucleotide variant.
Coding change: c.2652C>G on transcript NM_001103.4 (MANE Select); coding-DNA position 2652, C replaced by G.
Protein change: p.Phe884Leu; replaces phenylalanine 884 with leucine.
Molecular consequence: missense variant.
Genome position (GRCh38, 1-based): chr1:236,762,586, C>G. VCF-style: chr1-236762586-C-G. GRCh37 (hg19) VCF-style: chr1-236925886-C-G.
Other names: c.2652C>G, p.Phe884Leu (NM_001278343.2); c.2028C>G, p.Phe676Leu (NM_001278344.2); short protein forms F676L, F884L.
Identifiers: ClinVar variation 1040716 (VCV001040716.9), dbSNP rs1659743387, ClinGen allele CA345392630.